The following is an entry in ClinVar:

NM_001024845.3(SLC6A9):c.622G>A (p.Gly208Arg)

Gene: SLC6A9 (solute carrier family 6 member 9; minus strand). Cytogenetic location: 1p34.1.
Variant type: single nucleotide variant.
Coding change: c.622G>A on transcript NM_001024845.3 (MANE Select); coding-DNA position 622, G replaced by A.
Protein change: p.Gly208Arg; replaces glycine 208 with arginine.
Molecular consequence: missense variant. On other transcripts: non-coding transcript variant (1).
Genome position (GRCh38, 1-based): chr1:44,002,954, C>T on the plus strand (G>A on the coding strand, the complement: SLC6A9 is on the minus strand). VCF-style: chr1-44002954-C-T. GRCh37 (hg19) VCF-style: chr1-44468626-C-T.
Other names: c.634G>A, p.Gly212Arg (NM_001261380.2); c.289G>A, p.Gly97Arg (NM_001328626.2, NM_001328630.2); c.559G>A, p.Gly187Arg (NM_001328627.1); c.427G>A, p.Gly143Arg (NM_001328628.1); c.622G>A, p.Gly208Arg (NM_001328629.1); c.679G>A, p.Gly227Arg (NM_006934.4); c.841G>A, p.Gly281Arg (NM_201649.4); short protein forms G208R, G281R, G97R, G143R, G187R, G212R, G227R.
Identifiers: ClinVar variation 2075770 (VCV002075770.4), dbSNP rs773010190, ClinGen allele CA817743.

ClinVar aggregate classification (germline): Uncertain significance (1 of 4 stars; one submission).

Conditions:
Atypical glycine encephalopathy. Also called: Glycine encephalopathy with normal serum glycine. Identifiers: Orphanet 289863, MedGen C4310943, MONDO:0015010, OMIM 617301.

Allele frequency attached by ClinVar (database versions not stated): TOPMed below 0.00001; ExAC 0.00001; gnomAD 0.00001.
gnomAD v4.1: 2 of 1,614,016 alleles (0.00012%); highest among the groups gnomAD compares: Admixed American, 0.0033%; no homozygotes.

Submission:

Labcorp Genetics (formerly Invitae), Labcorp
Classification: Uncertain significance for Atypical glycine encephalopathy. Last evaluated: 2024-08-12. Review status: criteria provided, single submitter. Criteria: Invitae Variant Classification Sherloc (09022015). Collection method: clinical testing. Allele origin: germline.
Comment: This sequence change replaces glycine, which is neutral and non-polar, with arginine, which is basic and polar, at codon 281 of the SLC6A9 protein (p.Gly281Arg). This variant is present in population databases (rs773010190, gnomAD 0.0009%). This variant has not been reported in the literature in individuals affected with SLC6A9-related conditions. ClinVar contains an entry for this variant (Variation ID: 2075770). An algorithm developed to predict the effect of missense changes on protein structure and function (PolyPhen-2) suggests that this variant is likely to be disruptive. In summary, the available evidence is currently insufficient to determine the role of this variant in disease. Therefore, it has been classified as a Variant of Uncertain Significance.